The following is an entry in ClinVar:

NM_001367823.1(ARHGEF18):c.1774G>A (p.Val592Met)

Gene: ARHGEF18 (Rho/Rac guanine nucleotide exchange factor 18; plus strand). Cytogenetic location: 19p13.2.
Variant type: single nucleotide variant.
Coding change: c.1774G>A on transcript NM_001367823.1 (MANE Select); coding-DNA position 1774, G replaced by A.
Protein change: p.Val592Met; replaces valine 592 with methionine.
Molecular consequence: missense variant.
Genome position (GRCh38, 1-based): chr19:7,451,185, G>A. VCF-style: chr19-7451185-G-A. GRCh37 (hg19) VCF-style: chr19-7516071-G-A.
Other names: c.1048G>A, p.Val350Met (NM_001130955.2); c.736G>A, p.Val246Met (NM_001367824.1, NM_015318.4); short protein forms V246M, V350M, V592M.
Identifiers: ClinVar variation 1054091 (VCV001054091.9), dbSNP rs368588291, ClinGen allele CA9136610.

ClinVar aggregate classification (germline): Uncertain significance. Review status: criteria provided, multiple submitters, no conflicts (2 of 4 stars). 2 submissions from 2 submitters: Uncertain significance (2). Last evaluated 2024-10-28.

Allele frequency attached by ClinVar (database versions not stated): TOPMed 0.00009; gnomAD 0.00010 and 0.00013; 1000 Genomes Project 0.00020; 1000 Genomes Project 30x 0.00031.
gnomAD v4.1: 109 of 1,610,162 alleles (0.0068%); highest among the groups gnomAD compares: South Asian, 0.052%; 1 homozygote.

Submissions (2):

Labcorp Genetics (formerly Invitae), Labcorp
Classification: Uncertain significance. Last evaluated: 2024-10-28. Review status: criteria provided, single submitter. Criteria: Invitae Variant Classification Sherloc (09022015). Collection method: clinical testing. Allele origin: germline.
Comment: This sequence change replaces valine, which is neutral and non-polar, with methionine, which is neutral and non-polar, at codon 404 of the ARHGEF18 protein (p.Val404Met). This variant is present in population databases (rs368588291, gnomAD 0.06%). This variant has not been reported in the literature in individuals affected with ARHGEF18-related conditions. ClinVar contains an entry for this variant (Variation ID: 1054091). An algorithm developed to predict the effect of missense changes on protein structure and function outputs the following: PolyPhen-2: "Possibly Damaging". The methionine amino acid residue is found in multiple mammalian species, which suggests that this missense change does not adversely affect protein function. In summary, the available evidence is currently insufficient to determine the role of this variant in disease. Therefore, it has been classified as a Variant of Uncertain Significance.

Blueprint Genetics
Classification: Uncertain significance. Last evaluated: 2024-09-14. Review status: criteria provided, single submitter. Criteria: ACMG Guidelines, 2015. Collection method: clinical testing. Allele origin: germline.